The following is an entry in ClinVar:

NM_001291303.3(FAT4):c.8549A>G (p.His2850Arg)

Gene: FAT4 (FAT atypical cadherin 4; plus strand). Cytogenetic location: 4q28.1.
Variant type: single nucleotide variant.
Coding change: c.8549A>G on transcript NM_001291303.3 (MANE Select); coding-DNA position 8549, A replaced by G.
Protein change: p.His2850Arg; replaces histidine 2850 with arginine.
Molecular consequence: missense variant.
Genome position (GRCh38, 1-based): chr4:125,449,559, A>G. VCF-style: chr4-125449559-A-G. GRCh37 (hg19) VCF-style: chr4-126370714-A-G.
Other names: c.8549A>G, p.His2850Arg (NM_001291285.3); c.8543A>G, p.His2848Arg (NM_024582.6); c.8543A>G (NM_024582.5); short protein forms H2850R, H2848R.
Identifiers: ClinVar variation 2284863 (VCV002284863.6), dbSNP rs977069839, ClinGen allele CA104881364.

ClinVar aggregate classification (germline): Uncertain significance. Review status: criteria provided, multiple submitters, no conflicts (2 of 4 stars). 4 submissions from 4 submitters: Uncertain significance (4). Last evaluated 2026-01-29.

Conditions:
Van Maldergem syndrome 2 (VMLDS2). Identifiers: Orphanet 314679, MedGen C3809875, MONDO:0014242, OMIM 615546.
Hennekam lymphangiectasia-lymphedema syndrome 2 (HKLLS2). Identifiers: Orphanet 2136, MedGen C4014939, MONDO:0014454, OMIM 616006.
Inborn genetic diseases. Identifiers: MedGen C0950123, MeSH D030342.

Allele frequency attached by ClinVar (database versions not stated): gnomAD 0.00002; TOPMed 0.00002; gnomAD exomes 0.00008.
gnomAD v4.1: 119 of 1,613,342 alleles (0.0074%); highest among the groups gnomAD compares: Non-Finnish European, 0.0097%; no homozygotes.

Submissions (4):

GeneDx
Classification: Uncertain significance. Last evaluated: 2026-01-29. Review status: criteria provided, single submitter. Criteria: GeneDx Variant Classification Process June 2021. Collection method: clinical testing. Allele origin: germline.
Comment: Not observed at significant frequency in large population cohorts (gnomAD); In silico analysis suggests that this missense variant does not alter protein structure/function; Has not been previously published as pathogenic or benign to our knowledge

Ambry Genetics
Classification: Uncertain significance for Inborn genetic diseases. Last evaluated: 2025-08-25. Review status: criteria provided, single submitter. Criteria: Ambry Variant Classification Scheme 2023. Collection method: clinical testing. Allele origin: germline.

Labcorp Genetics (formerly Invitae), Labcorp
Classification: Uncertain significance. Last evaluated: 2025-06-17. Review status: criteria provided, single submitter. Criteria: Invitae Variant Classification Sherloc (09022015). Collection method: clinical testing. Allele origin: germline.
Comment: This sequence change replaces histidine, which is basic and polar, with arginine, which is basic and polar, at codon 2848 of the FAT4 protein (p.His2848Arg). This variant is present in population databases (no rsID available, gnomAD 0.003%). This variant has not been reported in the literature in individuals affected with FAT4-related conditions. ClinVar contains an entry for this variant (Variation ID: 2284863). Invitae Evidence Modeling of protein sequence and biophysical properties (such as structural, functional, and spatial information, amino acid conservation, physicochemical variation, residue mobility, and thermodynamic stability) has been performed for this missense variant. However, the output from this modeling did not meet the statistical confidence thresholds required to predict the impact of this variant on FAT4 protein function. In summary, the available evidence is currently insufficient to determine the role of this variant in disease. Therefore, it has been classified as a Variant of Uncertain Significance.

Fulgent Genetics
Classification: Uncertain significance for Van Maldergem syndrome 2; Hennekam lymphangiectasia-lymphedema syndrome 2. Last evaluated: 2024-06-10. Review status: criteria provided, single submitter. Criteria: ACMG Guidelines, 2015. Collection method: clinical testing. Allele origin: germline.